The following is an entry in ClinVar:

NM_000387.6(SLC25A20):c.178C>T (p.Arg60Trp)

Gene: SLC25A20 (solute carrier family 25 member 20; minus strand). Cytogenetic location: 3p21.31.
Variant type: single nucleotide variant.
Coding change: c.178C>T on transcript NM_000387.6 (MANE Select); coding-DNA position 178, C replaced by T.
Protein change: p.Arg60Trp; replaces arginine 60 with tryptophan.
Molecular consequence: missense variant.
Genome position (GRCh38, 1-based): chr3:48,892,000, G>A on the plus strand (C>T on the coding strand, the complement: SLC25A20 is on the minus strand). VCF-style: chr3-48892000-G-A. GRCh37 (hg19) VCF-style: chr3-48929433-G-A.
Other names: short protein forms R60W.
Identifiers: ClinVar variation 2581996 (VCV002581996.1), dbSNP rs764319600, ClinGen allele CA2387484.
Genomic context (GRCh38, chr3:48,892,000, plus strand): 5'-GTGTTCTGAGTAAGAGGAATGCCCAGCACCATATACCAACCTCTCTAAAAAGAGTCTTCC[G>A]GAAACAGTCAAAGGTCCCAGAGTACATGGGAGGTTGTCCAGGCAAACTCGGTGGCTGTGT-3'
Protein context (NP_000378.1, residues 50-70): PMYSGTFDCF[Arg60Trp]KTLFREGITG

ClinVar aggregate classification (germline): Uncertain significance (1 of 4 stars; one submission).

Allele frequency attached by ClinVar (database versions not stated): gnomAD exomes 0.00001; ExAC 0.00002; gnomAD 0.00003; TOPMed 0.00004.
gnomAD v4.1: 16 of 1,613,678 alleles (0.00099%); highest among the groups gnomAD compares: African/African-American, 0.0013%; no homozygotes.

Submission:

GeneDx
Classification: Uncertain significance. Last evaluated: 2023-03-28. Review status: criteria provided, single submitter. Criteria: GeneDx Variant Classification Process June 2021. Collection method: clinical testing. Allele origin: germline. Affected: yes.
Comment: Not observed at significant frequency in large population cohorts (gnomAD); In silico analysis supports that this missense variant has a deleterious effect on protein structure/function; Has not been previously published as pathogenic or benign to our knowledge